The following is an entry in ClinVar:

ClinVar aggregate classification (germline): Likely benign. Review status: criteria provided, single submitter (1 of 4 stars). 2 submissions from 2 submitters: Likely benign (1). 1 of the submissions does not count toward it. Last evaluated 2024-07-18.

Conditions:
MN1-related disorder. Also called: MN1-related condition.
Inborn genetic diseases. Identifiers: MedGen C0950123, MeSH D030342.

Allele frequency attached by ClinVar (database versions not stated): TOPMed 0.00043; gnomAD 0.00049; ESP Exome Variant Server 0.00050; 1000 Genomes Project 30x 0.00062; ExAC 0.00062; gnomAD exomes 0.00074.
gnomAD v4.1: 1,088 of 1,519,686 alleles (0.072%); highest among the groups gnomAD compares: Non-Finnish European, 0.088%; no homozygotes.

Submissions (2):

Ambry Genetics
Classification: Likely benign for Inborn genetic diseases. Last evaluated: 2024-07-18. Review status: criteria provided, single submitter. Criteria: Ambry Variant Classification Scheme 2023. Collection method: clinical testing. Allele origin: germline.

PreventionGenetics, part of Exact Sciences
Classification: Likely benign for MN1-related condition. Last evaluated: 2022-03-14. Review status: no assertion criteria provided. Collection method: clinical testing. Allele origin: germline. Not counted in ClinVar's aggregate classification.
Comment: This variant is classified as likely benign based on ACMG/AMP sequence variant interpretation guidelines (Richards et al. 2015 PMID: 25741868, with internal and published modifications).

NM_002430.3(MN1):c.2003C>T (p.Pro668Leu)

Gene: MN1 (MN1 proto-oncogene, transcriptional regulator; minus strand). Cytogenetic location: 22q12.1.
Variant type: single nucleotide variant.
Coding change: c.2003C>T on transcript NM_002430.3 (MANE Select); coding-DNA position 2003, C replaced by T.
Protein change: p.Pro668Leu; replaces proline 668 with leucine.
Molecular consequence: missense variant.
Genome position (GRCh38, 1-based): chr22:27,798,541, G>A on the plus strand (C>T on the coding strand, the complement: MN1 is on the minus strand). VCF-style: chr22-27798541-G-A. GRCh37 (hg19) VCF-style: chr22-28194529-G-A.
Other names: short protein forms P668L.
Identifiers: ClinVar variation 3047055 (VCV003047055.3), dbSNP rs201191310, ClinGen allele CA10166304.